The following is an entry in ClinVar:

ClinVar aggregate classification (germline): Pathogenic (1 of 4 stars; one submission).

Submission:

Labcorp Genetics (formerly Invitae), Labcorp
Classification: Pathogenic. Last evaluated: 2023-03-20. Review status: criteria provided, single submitter. Criteria: Invitae Variant Classification Sherloc (09022015). Collection method: clinical testing. Allele origin: germline.
Comment: This variant is not present in population databases (gnomAD no frequency). For these reasons, this variant has been classified as Pathogenic. This variant has not been reported in the literature in individuals affected with ABCC8-related conditions. This sequence change creates a premature translational stop signal (p.Ser1013*) in the ABCC8 gene. It is expected to result in an absent or disrupted protein product. Loss-of-function variants in ABCC8 are known to be pathogenic (PMID: 20685672, 23345197).

Literature cited by the submitters: PubMed 20685672; PubMed 23345197.

NM_000352.6(ABCC8):c.3038C>A (p.Ser1013Ter)

Gene: ABCC8 (ATP binding cassette subfamily C member 8; minus strand). Cytogenetic location: 11p15.1.
Variant type: single nucleotide variant.
Coding change: c.3038C>A on transcript NM_000352.6 (MANE Select); coding-DNA position 3038, C replaced by A.
Protein change: p.Ser1013Ter; replaces serine 1013 with a stop codon.
Molecular consequence: nonsense. On other transcripts: non-coding transcript variant (1).
Genome position (GRCh38, 1-based): chr11:17,407,012, G>T on the plus strand (C>A on the coding strand, the complement: ABCC8 is on the minus strand). VCF-style: chr11-17407012-G-T. GRCh37 (hg19) VCF-style: chr11-17428559-G-T.
Other names: c.3041C>A, p.Ser1014Ter (NM_001287174.3); c.3104C>A, p.Ser1035Ter (NM_001351295.2); c.3038C>A, p.Ser1013Ter (NM_001351296.2); c.3035C>A, p.Ser1012Ter (NM_001351297.2); short protein forms S1012*, S1014*, S1013*, S1035*.
Identifiers: ClinVar variation 2847650 (VCV002847650.3), dbSNP rs72559720, ClinGen allele CA379803781.
Genomic context (GRCh38, chr11:17,407,012, plus strand): 5'-AGCCAGTAGTCGATGGCCACCAGGACCATGTGCTTGAGCAGCTGTGAGAAGACCAGCAAC[G>T]ACAGGAGCAGGATGCCGGCGGAGGACAGGTACTTGGCGCAGGCTCGCCATGGGATCTCAG-3'